The following is an entry in ClinVar:

ClinVar aggregate classification (germline): Conflicting classifications of pathogenicity. Review status: criteria provided, conflicting classifications (1 of 4 stars). 2 submissions from 2 submitters: Likely pathogenic (1); Uncertain significance (1). Last evaluated 2024-10-18.

Conditions:
Autosomal recessive limb-girdle muscular dystrophy type 2J (LGMDR10). Also called: MUSCULAR DYSTROPHY, LIMB-GIRDLE, AUTOSOMAL RECESSIVE 10; Limb-girdle muscular dystrophy, type 2J. Identifiers: Orphanet 140922, MedGen C1837342, MONDO:0012127, OMIM 608807.
Dilated cardiomyopathy 1G (CMD1G). Identifiers: Orphanet 154, MedGen C1858763, MONDO:0011400, OMIM 604145.

Submissions (2):

Labcorp Genetics (formerly Invitae), Labcorp
Classification: Likely pathogenic for Dilated cardiomyopathy 1G; Autosomal recessive limb-girdle muscular dystrophy type 2J. Last evaluated: 2024-10-18. Review status: criteria provided, single submitter. Criteria: Invitae Variant Classification Sherloc (09022015). Collection method: clinical testing. Allele origin: germline.
Comment: This sequence change creates a premature translational stop signal (p.Glu1444Argfs*18) in the TTN gene. While this is not anticipated to result in nonsense mediated decay, it is expected to create a truncated TTN protein. This variant is not present in population databases (gnomAD no frequency). This variant has not been reported in the literature in individuals affected with TTN-related conditions. ClinVar contains an entry for this variant (Variation ID: 2503348). This variant is located in the Z band of TTN (PMID: 25589632). Truncating variants in this region have been reported in individuals affected with autosomal recessive centronuclear myopathy (PMID: 33449170, internal data). Truncating variants in this region have also been identified in individuals affected with autosomal dominant dilated cardiomyopathy and/or cardio-related conditions (PMID: 27869827, 32964742, internal data). In summary, the currently available evidence indicates that the variant is pathogenic, but additional data are needed to prove that conclusively. Therefore, this variant has been classified as Likely Pathogenic.

GeneDx
Classification: Uncertain significance. Last evaluated: 2022-11-25. Review status: criteria provided, single submitter. Criteria: GeneDx Variant Classification Process June 2021. Collection method: clinical testing. Allele origin: germline. Affected: yes.
Comment: Not observed at significant frequency in large population cohorts (gnomAD); Frameshift variant predicted to result in protein truncation or nonsense mediated decay in a gene or region of a gene for which loss of function is not a well-established mechanism of disease; Located in a region that tolerates variation and lacks pathogenic variants; Has not been previously published as pathogenic or benign to our knowledge

Literature cited by the submitters: PubMed 25589632 (cited by Labcorp Genetics (formerly Invitae), Labcorp); PubMed 33449170 (cited by Labcorp Genetics (formerly Invitae), Labcorp); PubMed 27869827 (cited by Labcorp Genetics (formerly Invitae), Labcorp); PubMed 32964742 (cited by Labcorp Genetics (formerly Invitae), Labcorp).

NM_001267550.2(TTN):c.4330del (p.Glu1444fs)

Genes: TTN (titin; minus strand), LOC101927055 (uncharacterized LOC101927055; plus strand). Cytogenetic location: 2q31.2.
Variant type: Deletion.
Coding change: c.4330del on transcript NM_001267550.2 (MANE Select); coding-DNA position 4330, one base deleted (G; older notation c.4330delG).
Protein change: p.Glu1444fs; shifts the reading frame from glutamic acid 1444.
Molecular consequence: frameshift variant. On other transcripts: non-coding transcript variant (1).
Genome position (GRCh38, 1-based): chr2:178,777,854, C deleted on the plus strand (G on the coding strand, the reverse complement: TTN is on the minus strand); the first of 2 consecutive C bases (chr2:178,777,854-178,777,855); deleting either gives the same sequence. VCF-style (leftmost placement, unchanged base first): chr2-178777853-TC-T. GRCh37 (hg19) VCF-style: chr2-179642580-TC-T.
Other names: c.4330del, p.Glu1444fs (NM_001256850.1, NM_133378.4, NM_133379.5); c.4329delG, p.Glu1444Argfs (NM_001267550.1); c.4192del, p.Glu1398fs (NM_003319.4, NM_133432.3, NM_133437.4); short protein forms E1398fs, E1444fs.
Identifiers: ClinVar variation 2503348 (VCV002503348.4), dbSNP rs2532971415, ClinGen allele CA2580616635.